The following is an entry in ClinVar:

NM_001276270.2(MBD4):c.1543G>C (p.Asp515His)

Gene: MBD4 (methyl-CpG binding domain 4, DNA glycosylase; minus strand). Cytogenetic location: 3q21.3.
Variant type: single nucleotide variant.
Coding change: c.1543G>C on transcript NM_001276270.2 (MANE Select); coding-DNA position 1543, G replaced by C.
Protein change: p.Asp515His; replaces aspartic acid 515 with histidine.
Molecular consequence: missense variant.
Genome position (GRCh38, 1-based): chr3:129,433,098, C>G on the plus strand (G>C on the coding strand, the complement: MBD4 is on the minus strand). VCF-style: chr3-129433098-C-G. GRCh37 (hg19) VCF-style: chr3-129151941-C-G.
Other names: c.1561G>C, p.Asp521His (NM_001276271.2, NM_001276272.2, NM_003925.3); c.607G>C, p.Asp203His (NM_001276273.2); short protein forms D203H, D521H, D515H.
Identifiers: ClinVar variation 3653277 (VCV003653277.3).
Genomic context (GRCh38, chr3:129,433,098, plus strand): 5'-GTGGCTCTCTTAAATAAGCACAATGTATTATGTTTTTCCTTTGGGTGTATAGGAAAATAC[C>G]TGAGAACTTGACAATGGTTTTTGCCCGAAGATCGTAGAGACCAAGAGGTTTAAGAAGTTC-3'
Protein context (NP_001263199.1, residues 505-525): LRAKTIVKFS[Asp515His]EYLTKQWKYP

ClinVar aggregate classification (germline): Uncertain significance. Review status: criteria provided, multiple submitters, no conflicts (2 of 4 stars). 2 submissions from 2 submitters: Uncertain significance (2). Last evaluated 2025-04-17.

Conditions:
Inborn genetic diseases. Identifiers: MedGen C0950123, MeSH D030342.

gnomAD v4.1: 2 of 1,614,020 alleles (0.00012%); highest among the groups gnomAD compares: South Asian, 0.0011%; no homozygotes.

Submissions (2):

Ambry Genetics
Classification: Uncertain significance for Inborn genetic diseases. Last evaluated: 2025-04-17. Review status: criteria provided, single submitter. Criteria: Ambry Variant Classification Scheme 2023. Collection method: clinical testing. Allele origin: germline.
Comment: The c.1543G>C variant (also known as p.D515H), located in coding exon 6 of the MBD4 gene, results from a G to C substitution at nucleotide position 1543. The amino acid change results in aspartic acid to histidine at codon 515, an amino acid with similar properties. However, this change occurs in the last base pair of coding exon 6, which makes it likely to have some effect on normal mRNA splicing. This nucleotide position is highly conserved in available vertebrate species. This amino acid position is well conserved in available vertebrate species. In silico splice site analysis predicts that this alteration will weaken the native splice donor site. In addition, the in silico prediction for this alteration is inconclusive. Based on the available evidence, the clinical significance of this variant remains unclear.

Labcorp Genetics (formerly Invitae), Labcorp
Classification: Uncertain significance. Last evaluated: 2024-12-02. Review status: criteria provided, single submitter. Criteria: Invitae Variant Classification Sherloc (09022015). Collection method: clinical testing. Allele origin: germline.
Comment: This sequence change replaces aspartic acid, which is acidic and polar, with histidine, which is basic and polar, at codon 521 of the MBD4 protein (p.Asp521His). This variant also falls at the last nucleotide of exon 6, which is part of the consensus splice site for this exon. This variant is not present in population databases (gnomAD no frequency). This variant has not been reported in the literature in individuals affected with MBD4-related conditions. An algorithm developed to predict the effect of missense changes on protein structure and function (PolyPhen-2) suggests that this variant is likely to be disruptive. Variants that disrupt the consensus splice site are a relatively common cause of aberrant splicing (PMID: 17576681, 9536098). Algorithms developed to predict the effect of sequence changes on RNA splicing suggest that this variant may disrupt the consensus splice site. In summary, the available evidence is currently insufficient to determine the role of this variant in disease. Therefore, it has been classified as a Variant of Uncertain Significance.

Literature cited by the submitters: PubMed 17576681 (cited by Labcorp Genetics (formerly Invitae), Labcorp); PubMed 9536098 (cited by Labcorp Genetics (formerly Invitae), Labcorp).